The following is an entry in ClinVar:

ClinVar aggregate classification (germline): Uncertain significance (1 of 4 stars; one submission).

Conditions:
Epilepsy, familial focal, with variable foci 3 (FFEVF3). Identifiers: MedGen C4310708, MONDO:0014925, OMIM 617118.

Allele frequency attached by ClinVar (database versions not stated): gnomAD exomes below 0.00001.
gnomAD v4.1: 4 of 1,613,768 alleles (0.00025%); highest among the groups gnomAD compares: Non-Finnish European, 0.00034%; no homozygotes.

Submission:

Labcorp Genetics (formerly Invitae), Labcorp
Classification: Uncertain significance for Epilepsy, familial focal, with variable foci 3. Last evaluated: 2021-07-17. Review status: criteria provided, single submitter. Criteria: Invitae Variant Classification Sherloc (09022015). Collection method: clinical testing. Allele origin: germline.
Comment: In summary, the available evidence is currently insufficient to determine the role of this variant in disease. Therefore, it has been classified as a Variant of Uncertain Significance. Experimental studies and prediction algorithms are not available or were not evaluated, and the functional significance of this variant is currently unknown. This variant has not been reported in the literature in individuals affected with NPRL3-related conditions. This variant is not present in population databases (ExAC no frequency). This sequence change replaces glutamine with histidine at codon 351 of the NPRL3 protein (p.Gln351His). The glutamine residue is moderately conserved and there is a small physicochemical difference between glutamine and histidine.

NM_001077350.3(NPRL3):c.1053G>C (p.Gln351His)

Genes: HBA-LCR (alpha-globin locus control region; plus strand), NPRL3 (NPR3 like, GATOR1 complex subunit; minus strand). Cytogenetic location: 16p13.3.
Variant type: single nucleotide variant.
Coding change: c.1053G>C on transcript NM_001077350.3 (MANE Select); coding-DNA position 1053, G replaced by C.
Protein change: p.Gln351His; replaces glutamine 351 with histidine.
Molecular consequence: missense variant.
Genome position (GRCh38, 1-based): chr16:92,704, C>G on the plus strand (G>C on the coding strand, the complement: NPRL3 is on the minus strand). VCF-style: chr16-92704-C-G. GRCh37 (hg19) VCF-style: chr16-142702-C-G.
Other names: c.516G>C, p.Gln172His (NM_001039476.3); c.819G>C, p.Gln273His (NM_001243247.2); c.978G>C, p.Gln326His (NM_001243248.2, NM_001243249.2); short protein forms Q273H, Q326H, Q172H, Q351H.
Identifiers: ClinVar variation 1471535 (VCV001471535.6), dbSNP rs2141907979, ClinGen allele CA394053174.